The following is an entry in ClinVar:

ClinVar aggregate classification (germline): Likely pathogenic. Review status: reviewed by expert panel (3 of 4 stars). 6 submissions from 6 submitters: Likely pathogenic (1). 5 of the submissions do not count toward it. Last evaluated 2020-08-14.

Conditions:
Phenylketonuria (PKU). Also called: Phenylketonuria (PKU); FOLLING DISEASE; OLIGOPHRENIA PHENYLPYRUVICA; Phenylketonurias. Identifiers: Orphanet 716, MedGen C0031485, MONDO:0009861, OMIM 261600. Disease mechanism: loss of function.

Allele frequency attached by ClinVar (database versions not stated): gnomAD exomes below 0.00001.
gnomAD v4.1: 2 of 1,613,754 alleles (0.00012%); highest among the groups gnomAD compares: Non-Finnish European, 0.00017%; no homozygotes.

Submissions (6):

ClinGen PAH Variant Curation Expert Panel
Classification: Likely pathogenic for Phenylketonuria. Last evaluated: 2020-08-14. Review status: reviewed by expert panel. Criteria: ClinGen PAH ACMG Specifications v1. Collection method: curation. Allele origin: germline. Inheritance: Autosomal recessive inheritance.
Comment: The c.1114A>T (p.Thr372Ser) variant in PAH has been reported in multiple individuals with PAH deficiency (BH4 deficiency excluded, PMID: 8807319, 21147011, 30050108). This variant has an extremely low frequency in gnomAD (MAF=0.00001). This variant was detected with multiple pathogenic/likely pathogenic variants: p.R408W, c.1066-11G>A (PMID: 21147011); p.A300S (PMID: 8807319); p.P281L (2 patients, LP), delF39 (PMID: 10947211). Computational evidence is conflicting. In summary, this variant meets criteria to be classified as likely pathogenic for PAH. PAH-specific ACMG/AMP criteria applied: PP4_Moderate, PM2, PM3_strong.

Labcorp Genetics (formerly Invitae), Labcorp
Classification: Pathogenic for Phenylketonuria. Last evaluated: 2022-11-27. Review status: criteria provided, single submitter. Criteria: Invitae Variant Classification Sherloc (09022015). Collection method: clinical testing. Allele origin: germline. Not counted in ClinVar's aggregate classification.
Comment: This missense change has been observed in individual(s) with hyperphenylalaninemia (PMID: 8807319, 30747360, 32668217; BIOPKU). For these reasons, this variant has been classified as Pathogenic. Advanced modeling of protein sequence and biophysical properties (such as structural, functional, and spatial information, amino acid conservation, physicochemical variation, residue mobility, and thermodynamic stability) performed at Invitae indicates that this missense variant is expected to disrupt PAH protein function. ClinVar contains an entry for this variant (Variation ID: 102528). This variant is present in population databases (rs62517163, gnomAD 0.0009%). This sequence change replaces threonine, which is neutral and polar, with serine, which is neutral and polar, at codon 372 of the PAH protein (p.Thr372Ser).

Fulgent Genetics
Classification: Pathogenic for Phenylketonuria. Last evaluated: 2022-05-16. Review status: criteria provided, single submitter. Criteria: ACMG Guidelines, 2015. Collection method: clinical testing. Allele origin: unknown. Not counted in ClinVar's aggregate classification.

Illumina Laboratory Services, Illumina
Classification: Likely pathogenic for Phenylketonuria. Last evaluated: 2017-04-28. Review status: criteria provided, single submitter. Criteria: ICSL Variant Classification Criteria 09 May 2019. Collection method: clinical testing. Allele origin: germline. Not counted in ClinVar's aggregate classification.
Comment: The PAH c.1114A>T (p.Thr372Ser) missense variant has been reported in three studies in which it is found in a total of six Turkish patients with hyperphenylalanemia, a milder form of phenylalanine hydroxylase deficiency, in a compound heterozygous state (van der Sijs-Bos et al. 1996; Yilmaz et al. 2000; Ãœnal et al. 2015). Control data are unavailable for this variant which is not found in the 1000 Genomes Project, the Exome Sequencing Project or the Exome Aggregation Consortium. Based on the evidence, the p.Thr372Ser variant is classified as likely pathogenic for phenylalanine hydroxylase deficiency. This variant was observed by ICSL as part of a predisposition screen in an ostensibly healthy population.

Counsyl
Classification: Likely pathogenic for Phenylketonuria. Last evaluated: 2017-08-10. Review status: no assertion criteria provided. Collection method: clinical testing. Allele origin: unknown. Not counted in ClinVar's aggregate classification.

DeBelle Laboratory for Biochemical Genetics, MUHC/MCH RESEARCH INSTITUTE
No classification provided. Review status: no classification provided. Collection method: not provided. Allele origin: not provided. Not counted in ClinVar's aggregate classification.

Literature cited by the submitters: PubMed 8807319 (cited by 4 submitters); PubMed 21147011 (cited by ClinGen PAH Variant Curation Expert Panel and Counsyl); PubMed 30747360 (cited by Labcorp Genetics (formerly Invitae), Labcorp); PubMed 32668217 (cited by Labcorp Genetics (formerly Invitae), Labcorp); PubMed 10947211 (cited by Illumina Laboratory Services, Illumina and Counsyl); PubMed 26701937 (cited by Illumina Laboratory Services, Illumina and Counsyl); PubMed 26503515 (cited by Counsyl); PubMed 10527663 (cited by Counsyl).

NM_000277.3(PAH):c.1114A>T (p.Thr372Ser)

Gene: PAH (phenylalanine hydroxylase; minus strand). Cytogenetic location: 12q23.2.
Variant type: single nucleotide variant.
Coding change: c.1114A>T on transcript NM_000277.3 (MANE Select); coding-DNA position 1114, A replaced by T.
Protein change: p.Thr372Ser; replaces threonine 372 with serine.
Molecular consequence: missense variant.
Genome position (GRCh38, 1-based): chr12:102,843,731, T>A on the plus strand (A>T on the coding strand, the complement: PAH is on the minus strand). VCF-style: chr12-102843731-T-A. GRCh37 (hg19) VCF-style: chr12-103237509-T-A.
Other names: NM_000277.1(PAH):c.1114A>T; c.1114A>T, p.Thr372Ser (NM_001354304.2); short protein forms T372S.
Identifiers: ClinVar variation 102528 (VCV000102528.12), dbSNP rs62517163, ClinGen allele CA229350.